The following is an entry in ClinVar:

ClinVar aggregate classification (germline): Uncertain significance. Review status: criteria provided, multiple submitters, no conflicts (2 of 4 stars). 3 submissions from 3 submitters: Uncertain significance (3). Last evaluated 2024-12-19.

Conditions:
Developmental and epileptic encephalopathy, 36 (DEE36). Also called: Epileptic encephalopathy, early infantile, 36; ALG13-CDG; Congenital disorder of glycosylation, type Is. Identifiers: Orphanet 324422, MedGen C4317295, MONDO:0010472, OMIM 300884.

Allele frequency attached by ClinVar (database versions not stated): gnomAD exomes 0.00001; TOPMed 0.00002; gnomAD 0.00003 and 0.00004.
gnomAD v4.1: 11 of 1,205,081 alleles (0.00091%); highest among the groups gnomAD compares: Non-Finnish European, 0.0011%; no homozygotes.

Submissions (3):

Labcorp Genetics (formerly Invitae), Labcorp
Classification: Uncertain significance for Developmental and epileptic encephalopathy, 36. Last evaluated: 2024-12-19. Review status: criteria provided, single submitter. Criteria: Invitae Variant Classification Sherloc (09022015). Collection method: clinical testing. Allele origin: germline.
Comment: This sequence change replaces alanine, which is neutral and non-polar, with threonine, which is neutral and polar, at codon 1044 of the ALG13 protein (p.Ala1044Thr). This variant is not present in population databases (gnomAD no frequency). This missense change has been observed in individual(s) with clinical features of ALG13-related conditions (internal data). ClinVar contains an entry for this variant (Variation ID: 423965). Invitae Evidence Modeling of protein sequence and biophysical properties (such as structural, functional, and spatial information, amino acid conservation, physicochemical variation, residue mobility, and thermodynamic stability) indicates that this missense variant is not expected to disrupt ALG13 protein function with a negative predictive value of 95%. In summary, the available evidence is currently insufficient to determine the role of this variant in disease. Therefore, it has been classified as a Variant of Uncertain Significance.

GeneDx
Classification: Uncertain significance. Last evaluated: 2024-11-22. Review status: criteria provided, single submitter. Criteria: GeneDx Variant Classification Process June 2021. Collection method: clinical testing. Allele origin: germline. Affected: yes.
Comment: Not observed at significant frequency in large population cohorts (gnomAD); In silico analysis indicates that this missense variant does not alter protein structure/function; Has not been previously published as pathogenic or benign to our knowledge

Fulgent Genetics
Classification: Uncertain significance for Developmental and epileptic encephalopathy, 36. Last evaluated: 2021-11-09. Review status: criteria provided, single submitter. Criteria: ACMG Guidelines, 2015. Collection method: clinical testing. Allele origin: unknown.

NM_001099922.3(ALG13):c.3130G>A (p.Ala1044Thr)

Gene: ALG13 (ALG13 UDP-N-acetylglucosaminyltransferase subunit; plus strand). Cytogenetic location: Xq23.
Variant type: single nucleotide variant.
Coding change: c.3130G>A on transcript NM_001099922.3 (MANE Select); coding-DNA position 3130, G replaced by A.
Protein change: p.Ala1044Thr; replaces alanine 1044 with threonine.
Molecular consequence: missense variant. On other transcripts: non-coding transcript variant (1).
Genome position (GRCh38, 1-based): chrX:111,757,744, G>A. VCF-style: chrX-111757744-G-A. GRCh37 (hg19) VCF-style: chrX-111000972-G-A.
Other names: c.2581G>A, p.Ala861Thr (NM_001257230.2, NM_001257234.2, NM_001257237.2); c.2896G>A, p.Ala966Thr (NM_001257231.2); c.2893G>A, p.Ala965Thr (NM_001324292.2); c.2407G>A, p.Ala803Thr (NM_001324293.1); short protein forms A1044T, A861T, A965T, A803T, A966T.
Identifiers: ClinVar variation 423965 (VCV000423965.12), dbSNP rs1064796719, ClinGen allele CA16621184.